The following is an entry in ClinVar:

ClinVar aggregate classification (germline): Likely benign. Review status: criteria provided, single submitter (1 of 4 stars). 2 submissions from 2 submitters: Likely benign (1). 1 of the submissions does not count toward it. Last evaluated 2024-11-26.

Conditions:
DOCK7-related disorder. Also called: DOCK7-related condition.

Submissions (5):

Blueprint Genetics
Classification: Likely benign. Last evaluated: 2024-11-26. Review status: criteria provided, single submitter. Criteria: ACMG Guidelines, 2015. Collection method: clinical testing. Allele origin: germline.

PreventionGenetics, part of Exact Sciences
Classification: Benign for DOCK7-related condition. Last evaluated: 2019-03-13. Review status: no assertion criteria provided. Collection method: clinical testing. Allele origin: germline. Not counted in ClinVar's aggregate classification.
Comment: This variant is classified as benign based on ACMG/AMP sequence variant interpretation guidelines (Richards et al. 2015 PMID: 25741868, with internal and published modifications).

Dr. Peter K. Rogan Lab, Western University
No classification provided (evidence only). Condition: Malignant lymphoma, large B-cell, diffuse. Review status: no classification provided. Collection method: in vitro. Allele origin: not applicable. Functional consequence: retained intron. Not counted in ClinVar's aggregate classification.

Dr. Peter K. Rogan Lab, Western University
No classification provided (evidence only). Condition: Nonpapillary renal cell carcinoma. Review status: no classification provided. Collection method: in vitro. Allele origin: not applicable. Functional consequence: retained intron. Not counted in ClinVar's aggregate classification.

Dr. Peter K. Rogan Lab, Western University
No classification provided (evidence only). Condition: Uterine corpus endometrial carcinoma. Review status: no classification provided. Collection method: in vitro. Allele origin: not applicable. Functional consequence: skipped exon, retained intron. Not counted in ClinVar's aggregate classification.

NM_001367561.1(DOCK7):c.1872-10_1872-9del

Gene: DOCK7 (dedicator of cytokinesis 7; minus strand). Cytogenetic location: 1p31.3.
Variant type: Deletion.
Coding change: c.1872-10_1872-9del on transcript NM_001367561.1 (MANE Select); 10 bases into the intron before coding-DNA position 1872 through 9 bases into the intron before coding-DNA position 1872, 2 bases deleted (TT; older notation c.1872-10_1872-9delTT).
Molecular consequence: intron variant.
Genome position (GRCh38, 1-based): chr1:62,578,975-62,578,976, AA deleted on the plus strand (TT on the coding strand, the reverse complement: DOCK7 is on the minus strand); deleting any 2 consecutive bases within chr1:62,578,975-62,578,989 gives the same sequence; the c. name uses the placement nearest the transcript's 3' end. VCF-style (leftmost placement, unchanged base first): chr1-62578974-CAA-C. GRCh37 (hg19) VCF-style: chr1-63044645-CAA-C.
Other names: NC_000001.10:g.63044659_63044660del; c.1872-23_1872-22del (NM_001367561.1); c.1872-10_1872-9del (NM_001272001.2, NM_001272000.2, NM_033407.4 and 2 more transcripts).
Identifiers: ClinVar variation 3038243 (VCV003038243.4), dbSNP rs199915737, ClinGen allele CA886409.
Genomic context (GRCh38, chr1:62,578,974, plus strand): 5'-CAGTTAAAGTAGCAGGAAGCTTAACCTTGATTTCTTCATGAAAATCAGGAGACCTTCATA[CAA>C]AAAAAAAAAAAAATCAACAGTCAGTAATTTGTCCAAAATAAATAATGTATTTGTATATTT-3'